The following is an entry in ClinVar:

ClinVar aggregate classification (germline): Likely benign (0 of 4 stars; one submission).

Conditions:
PLOD3-related disorder. Also called: PLOD3-related condition.

Submission:

PreventionGenetics, part of Exact Sciences
Classification: Likely benign for PLOD3-related condition. Last evaluated: 2024-03-29. Review status: no assertion criteria provided. Collection method: clinical testing. Allele origin: germline.
Comment: This variant is classified as likely benign based on ACMG/AMP sequence variant interpretation guidelines (Richards et al. 2015 PMID: 25741868, with internal and published modifications).

NM_001084.5(PLOD3):c.448C>T (p.Leu150=)

Gene: PLOD3 (procollagen-lysine,2-oxoglutarate 5-dioxygenase 3; minus strand). Cytogenetic location: 7q22.1.
Variant type: single nucleotide variant.
Coding change: c.448C>T on transcript NM_001084.5 (MANE Select); coding-DNA position 448, C replaced by T.
Protein change: p.Leu150=; no amino-acid change (leucine 150 retained).
Molecular consequence: synonymous variant.
Genome position (GRCh38, 1-based): chr7:101,216,217, G>A on the plus strand (C>T on the coding strand, the complement: PLOD3 is on the minus strand). VCF-style: chr7-101216217-G-A. GRCh37 (hg19) VCF-style: chr7-100859498-G-A.
Identifiers: ClinVar variation 3352992 (VCV003352992.1).